The following is an entry in ClinVar:

ClinVar aggregate classification (germline): Uncertain significance (1 of 4 stars; one submission).

Conditions:
Cardiomyopathy (CMYO). Also called: Cardiomyopathies. Identifiers: Orphanet 167848, MedGen C0878544, MONDO:0004994, HP:0001638. Inheritance: Various modes of inheritance.

Submission:

Color Diagnostics, LLC DBA Color Health
Classification: Uncertain significance for Cardiomyopathy. Last evaluated: 2025-06-03. Review status: criteria provided, single submitter. Criteria: ACMG Guidelines, 2015. Collection method: clinical testing. Allele origin: germline.
Comment: This variant changes 1 nucleotide in exon 15 of the MYH7 gene, creating a premature translation stop signal. This variant is expected to result in an absent or non-functional protein product. To our knowledge, this variant has not been reported in individuals affected with MYH7-related disorders in the literature. This variant has not been identified in the general population by the Genome Aggregation Database (gnomAD). Clinical relevance of loss-of-function MYH7 truncation variants in autosomal dominant cardiovascular disorders is not clearly established. The available evidence is insufficient to determine the role of this variant in disease conclusively. Therefore, this variant is classified as a Variant of Uncertain Significance.

NM_000257.4(MYH7):c.1552C>T (p.Gln518Ter)

Gene: MYH7 (myosin heavy chain 7; minus strand). Cytogenetic location: 14q11.2.
Variant type: single nucleotide variant.
Coding change: c.1552C>T on transcript NM_000257.4 (MANE Select); coding-DNA position 1552, C replaced by T.
Protein change: p.Gln518Ter; replaces glutamine 518 with a stop codon.
Molecular consequence: nonsense.
Genome position (GRCh38, 1-based): chr14:23,428,526, G>A on the plus strand (C>T on the coding strand, the complement: MYH7 is on the minus strand). VCF-style: chr14-23428526-G-A. GRCh37 (hg19) VCF-style: chr14-23897735-G-A.
Other names: c.1552C>T, p.Gln518Ter (NM_001407004.1); short protein forms Q518*.
Identifiers: ClinVar variation 4758688 (VCV004758688.1).